The following is an entry in ClinVar:

ClinVar aggregate classification (germline): Likely benign (0 of 4 stars; one submission).

Conditions:
ACO2-related disorder. Also called: ACO2-Related Disorders.

Allele frequency attached by ClinVar (database versions not stated): gnomAD exomes 0.00001; TOPMed 0.00001.
gnomAD v4.1: 3 of 1,614,222 alleles (0.00019%); highest among the groups gnomAD compares: East Asian, 0.0067%; no homozygotes.

Submission:

PreventionGenetics, part of Exact Sciences
Classification: Likely benign for ACO2-related condition. Last evaluated: 2023-07-16. Review status: no assertion criteria provided. Collection method: clinical testing. Allele origin: germline.
Comment: This variant is classified as likely benign based on ACMG/AMP sequence variant interpretation guidelines (Richards et al. 2015 PMID: 25741868, with internal and published modifications).

NM_001098.3(ACO2):c.1497G>A (p.Leu499=)

Gene: ACO2 (aconitase 2; plus strand). Cytogenetic location: 22q13.2.
Variant type: single nucleotide variant.
Coding change: c.1497G>A on transcript NM_001098.3 (MANE Select); coding-DNA position 1497, G replaced by A.
Protein change: p.Leu499=; no amino-acid change (leucine 499 retained).
Molecular consequence: synonymous variant.
Genome position (GRCh38, 1-based): chr22:41,524,860, G>A. VCF-style: chr22-41524860-G-A. GRCh37 (hg19) VCF-style: chr22-41920864-G-A.
Identifiers: ClinVar variation 3050889 (VCV003050889.2), dbSNP rs1460044826, ClinGen allele CA514797468.